The following is an entry in ClinVar:

NM_000441.2(SLC26A4):c.1050G>A (p.Leu350=)

Gene: SLC26A4 (solute carrier family 26 member 4; plus strand). Cytogenetic location: 7q22.3.
Variant type: single nucleotide variant.
Coding change: c.1050G>A on transcript NM_000441.2 (MANE Select); coding-DNA position 1050, G replaced by A.
Protein change: p.Leu350=; no amino-acid change (leucine 350 retained).
Molecular consequence: synonymous variant.
Genome position (GRCh38, 1-based): chr7:107,689,101, G>A. VCF-style: chr7-107689101-G-A. GRCh37 (hg19) VCF-style: chr7-107329546-G-A.
Identifiers: ClinVar variation 179617 (VCV000179617.23), dbSNP rs727504993, ClinGen allele CA184789.

ClinVar aggregate classification (germline): Conflicting classifications of pathogenicity. Review status: criteria provided, conflicting classifications (1 of 4 stars). 7 submissions from 5 submitters: Uncertain significance (2); Likely benign (4). 1 of the submissions does not count toward it. Last evaluated 2025-12-15.

Conditions:
Autosomal recessive nonsyndromic hearing loss 4 (DFNB4). Also called: FOXI1-Related Pendred Syndrome; KCNJ10-Related Pendred Syndrome; DEAFNESS, AUTOSOMAL RECESSIVE 4, WITH ENLARGED VESTIBULAR AQUEDUCT, DIGENIC; Deafness, autosomal recessive 4; Nonsyndromic enlarged vestibular aqueduct (NSEVA); NEUROSENSORY NONSYNDROMIC RECESSIVE DEAFNESS 4. Identifiers: Orphanet 90636, MedGen C3538946, MONDO:0010933, OMIM 600791.
Pendred syndrome (PDS). Also called: Pendred Syndrome (PDS); DEAFNESS WITH GOITER; Pendred's syndrome; GOITER-DEAFNESS SYNDROME; HYPOTHYROIDISM, CONGENITAL, DUE TO DYSHORMONOGENESIS, 2B; THYROID DYSHORMONOGENESIS 2B. Identifiers: Orphanet 705, MedGen C0271829, MONDO:0010134, OMIM 274600.

Allele frequency attached by ClinVar (database versions not stated): gnomAD 0.00001; gnomAD exomes 0.00001 and 0.00002; ExAC 0.00002; TOPMed 0.00002.
gnomAD v4.1: 38 of 1,613,842 alleles (0.0024%); highest among the groups gnomAD compares: Middle Eastern, 0.18%; no homozygotes.

Submissions (7):

Labcorp Genetics (formerly Invitae), Labcorp
Classification: Likely benign. Last evaluated: 2025-12-15. Review status: criteria provided, single submitter. Criteria: Invitae Variant Classification Sherloc (09022015). Collection method: clinical testing. Allele origin: germline.

Genome-Nilou Lab
Classification: Likely benign for Autosomal recessive nonsyndromic hearing loss 4. Last evaluated: 2021-09-05. Review status: criteria provided, single submitter. Criteria: ACMG Guidelines, 2015. Collection method: clinical testing. Allele origin: germline. Affected: no.

Genome-Nilou Lab
Classification: Likely benign for Pendred syndrome. Last evaluated: 2021-09-05. Review status: criteria provided, single submitter. Criteria: ACMG Guidelines, 2015. Collection method: clinical testing. Allele origin: germline. Affected: no.

Illumina Laboratory Services, Illumina
Classification: Uncertain significance for Autosomal recessive nonsyndromic hearing loss 4. Last evaluated: 2018-01-12. Review status: criteria provided, single submitter. Criteria: ICSL Variant Classification Criteria 13 December 2019. Collection method: clinical testing. Allele origin: germline.

Illumina Laboratory Services, Illumina
Classification: Uncertain significance for Pendred syndrome. Last evaluated: 2018-01-12. Review status: criteria provided, single submitter. Criteria: ICSL Variant Classification Criteria 13 December 2019. Collection method: clinical testing. Allele origin: germline.

Laboratory for Molecular Medicine, Mass General Brigham Personalized Medicine
Classification: Likely benign. Last evaluated: 2014-07-14. Review status: criteria provided, single submitter. Criteria: LMM Criteria. Collection method: clinical testing. Allele origin: germline. Observed: 1 variant allele.
Comment: Leu350Leu in exon 9 of SLC26A4: This variant is not expected to have clinical si gnificance because it does not alter an amino acid residue and it is not located within the splice consensus sequence.

Natera, Inc.
Classification: Uncertain significance for Pendred syndrome. Last evaluated: 2020-04-16. Review status: no assertion criteria provided. Collection method: clinical testing. Allele origin: germline. Not counted in ClinVar's aggregate classification.